The following is an entry in ClinVar:

NM_000089.4(COL1A2):c.1700T>C (p.Val567Ala)

Gene: COL1A2 (collagen type I alpha 2 chain; plus strand). Cytogenetic location: 7q21.3.
Variant type: single nucleotide variant.
Coding change: c.1700T>C on transcript NM_000089.4 (MANE Select); coding-DNA position 1700, T replaced by C.
Protein change: p.Val567Ala; replaces valine 567 with alanine.
Molecular consequence: missense variant.
Genome position (GRCh38, 1-based): chr7:94,414,256, T>C. VCF-style: chr7-94414256-T-C. GRCh37 (hg19) VCF-style: chr7-94043568-T-C.
Other names: short protein forms V567A.
Identifiers: ClinVar variation 2934089 (VCV002934089.3), dbSNP rs2484716787, ClinGen allele CA368222406.

ClinVar aggregate classification (germline): Uncertain significance (1 of 4 stars; one submission).

Conditions:
Osteogenesis imperfecta type I (OI1). Also called: Lobstein disease; OI, TYPE I; OSTEOGENESIS IMPERFECTA TARDA; OSTEOGENESIS IMPERFECTA WITH BLUE SCLERAE; Osteogenesis imperfecta type 1; Lobstein's Disease. Identifiers: Orphanet 216796, Orphanet 666, MedGen C0023931, MONDO:0008146, OMIM 166200. Disease mechanism: loss of function.
Ehlers-Danlos syndrome, classic type, 1 (EDSCL1). Also called: EDS I; EHLERS-DANLOS SYNDROME, GRAVIS TYPE; EHLERS-DANLOS SYNDROME, SEVERE CLASSIC TYPE; Ehlers-Danlos syndrome, type 1; Ehlers-Danlos Syndrome, Classic Type, COL5A1-Related. Identifiers: MedGen C0268335, MONDO:0019567, OMIM 130000.

Allele frequency attached by ClinVar (database versions not stated): gnomAD exomes below 0.00001.
gnomAD v4.1: 5 of 1,614,142 alleles (0.00031%); highest among the groups gnomAD compares: East Asian, 0.011%; no homozygotes.

Submission:

Labcorp Genetics (formerly Invitae), Labcorp
Classification: Uncertain significance for Osteogenesis imperfecta type I; Ehlers-Danlos syndrome, classic type, 1. Last evaluated: 2023-10-10. Review status: criteria provided, single submitter. Criteria: Invitae Variant Classification Sherloc (09022015). Collection method: clinical testing. Allele origin: germline.
Comment: This sequence change replaces valine, which is neutral and non-polar, with alanine, which is neutral and non-polar, at codon 567 of the COL1A2 protein (p.Val567Ala). This variant is not present in population databases (gnomAD no frequency). This variant has not been reported in the literature in individuals affected with COL1A2-related conditions. Advanced modeling of protein sequence and biophysical properties (such as structural, functional, and spatial information, amino acid conservation, physicochemical variation, residue mobility, and thermodynamic stability) performed at Invitae indicates that this missense variant is not expected to disrupt COL1A2 protein function. In summary, the available evidence is currently insufficient to determine the role of this variant in disease. Therefore, it has been classified as a Variant of Uncertain Significance.